The following is an entry in ClinVar:

ClinVar aggregate classification (germline): Likely benign. Review status: criteria provided, single submitter (1 of 4 stars). 2 submissions from 2 submitters: Likely benign (1). 1 of the submissions does not count toward it. Last evaluated 2025-10-27.

Conditions:
FLI1-related disorder. Also called: FLI1-related condition.

Allele frequency attached by ClinVar (database versions not stated): gnomAD 0.00001; ExAC 0.00001; TOPMed 0.00002; gnomAD exomes 0.00003.
gnomAD v4.1: 44 of 1,613,404 alleles (0.0027%); highest among the groups gnomAD compares: Non-Finnish European, 0.0036%; no homozygotes.

Submissions (2):

Labcorp Genetics (formerly Invitae), Labcorp
Classification: Likely benign. Last evaluated: 2025-10-27. Review status: criteria provided, single submitter. Criteria: Invitae Variant Classification Sherloc (09022015). Collection method: clinical testing. Allele origin: germline.

PreventionGenetics, part of Exact Sciences
Classification: Likely benign for FLI1-related condition. Last evaluated: 2023-10-17. Review status: no assertion criteria provided. Collection method: clinical testing. Allele origin: germline. Not counted in ClinVar's aggregate classification.
Comment: This variant is classified as likely benign based on ACMG/AMP sequence variant interpretation guidelines (Richards et al. 2015 PMID: 25741868, with internal and published modifications).

NM_002017.5(FLI1):c.99C>T (p.Asp33=)

Gene: FLI1 (Fli-1 proto-oncogene, ETS transcription factor; plus strand). Cytogenetic location: 11q24.3.
Variant type: single nucleotide variant.
Coding change: c.99C>T on transcript NM_002017.5 (MANE Select); coding-DNA position 99, C replaced by T.
Protein change: p.Asp33=; no amino-acid change (aspartic acid 33 retained).
Molecular consequence: synonymous variant. On other transcripts: 5 prime UTR variant (3).
Genome position (GRCh38, 1-based): chr11:128,758,195, C>T. VCF-style: chr11-128758195-C-T. GRCh37 (hg19) VCF-style: chr11-128628090-C-T.
Other names: c.-1C>T (NM_001167681.2, NM_001167681.3); c.-271C>T (NM_001271010.2); c.-122C>T (NM_001271012.2).
Identifiers: ClinVar variation 2874005 (VCV002874005.5), dbSNP rs754201848, ClinGen allele CA6356936.